The following is an entry in ClinVar:

NM_015662.3(IFT172):c.2194-2del

Gene: IFT172 (intraflagellar transport 172; minus strand). Cytogenetic location: 2p23.3.
Variant type: Deletion.
Coding change: c.2194-2del on transcript NM_015662.3 (MANE Select); the canonical splice acceptor site of the intron before coding-DNA position 2194, one base deleted (A; older notation c.2194-2delA).
Molecular consequence: splice acceptor variant.
Genome position (GRCh38, 1-based): chr2:27,461,519, T deleted on the plus strand (A on the coding strand, the reverse complement: IFT172 is on the minus strand). VCF-style (leftmost placement, unchanged base first): chr2-27461518-CT-C. GRCh37 (hg19) VCF-style: chr2-27684385-CT-C.
Other names: c.2128-2del (NM_001410739.1).
Identifiers: ClinVar variation 4996514 (VCV004996514.1).
Genomic context (GRCh38, chr2:27,461,518, plus strand): 5'-CTGTGTGTCCATCAGCCACTGGTAGTAACTACGACGTAGCTTCTCCAGGGCTGGGTGCCC[CT>C]GGACATGCACAGAGGACAACTAGGAGTCACATCCCCCTTCCTACCCTTCTGCCTCCCATG-3'

ClinVar aggregate classification (germline): Uncertain significance (1 of 4 stars; one submission).

Conditions:
IFT172-related disorder. Also called: IFT172-related disorders; IFT172-related condition.

Submission:

PreventionGenetics, part of Exact Sciences
Classification: Uncertain significance for IFT172-related condition. Last evaluated: 2026-08-07. Review status: criteria provided, single submitter. Criteria: ACMG Guidelines, 2015. Collection method: clinical testing. Allele origin: germline.
Comment: The IFT172 c.2194-2delA variant is predicted to result in a deletion affecting a canonical splice site. To our knowledge, this variant has not been reported in the literature or in a large population database (gnomAD), indicating this variant is rare. Although we suspect that this variant may be pathogenic, at this time, the clinical significance of this variant is uncertain due to the absence of conclusive functional and genetic evidence.